The following is an entry in ClinVar:

ClinVar aggregate classification (germline): Uncertain significance. Review status: criteria provided, multiple submitters, no conflicts (2 of 4 stars). 6 submissions from 6 submitters: Uncertain significance (6). Last evaluated 2025-12-22.

Conditions:
Familial cancer of breast. Also called: BREAST CANCER, FAMILIAL; hereditary breast carcinoma; Hereditary breast cancer. Identifiers: Orphanet 227535, MedGen C0346153, MONDO:0016419, OMIM 114480. Disease mechanism: loss of function.
Hereditary cancer-predisposing syndrome. Also called: Tumor predisposition; Hereditary neoplastic syndrome; Neoplastic Syndromes, Hereditary; Hereditary Cancer Syndrome. Identifiers: Orphanet 140162, MedGen C0027672, MeSH D009386, MONDO:0015356.

Allele frequency attached by ClinVar (database versions not stated): TOPMed below 0.00001; gnomAD 0.00001; gnomAD exomes below 0.00001 and 0.00003.

Submissions (6):

Ambry Genetics
Classification: Uncertain significance for Hereditary cancer-predisposing syndrome. Last evaluated: 2025-12-22. Review status: criteria provided, single submitter. Criteria: Ambry Variant Classification Scheme 2023. Collection method: clinical testing. Allele origin: germline.
Comment: The p.Q647R variant (also known as c.1940A>G), located in coding exon 10 of the BARD1 gene, results from an A to G substitution at nucleotide position 1940. The glutamine at codon 647 is replaced by arginine, an amino acid with highly similar properties. This alteration has been detected in a cohort of 122 patients who underwent multi-gene panel testing for hereditary cancer after having previously tested negative for mutations in BRCA1 and BRCA2 (Yadav S et al. Fam Cancer, 2017 07;16:319-328). Additionally, this variant was reported in 0/60,466 breast cancer cases and in 1/53,461 controls (Dorling et al. N Engl J Med. 2021 02;384:428-439). This amino acid position is not well conserved in available vertebrate species. In addition, this alteration is predicted to be tolerated by in silico analysis. Since supporting evidence is limited at this time, the clinical significance of this alteration remains unclear.

Labcorp Genetics (formerly Invitae), Labcorp
Classification: Uncertain significance for Familial cancer of breast. Last evaluated: 2025-12-08. Review status: criteria provided, single submitter. Criteria: Invitae Variant Classification Sherloc (09022015). Collection method: clinical testing. Allele origin: germline.
Comment: This sequence change replaces glutamine, which is neutral and polar, with arginine, which is basic and polar, at codon 647 of the BARD1 protein (p.Gln647Arg). This variant is present in population databases (rs786202232, gnomAD 0.0009%). This missense change has been observed in individual(s) with hereditary breast and ovarian cancer (PMID: 27878467). ClinVar contains an entry for this variant (Variation ID: 185508). An algorithm developed to predict the effect of missense changes on protein structure and function outputs the following: PolyPhen-2: "Benign". The arginine amino acid residue is found in multiple mammalian species, which suggests that this missense change does not adversely affect protein function. In summary, the available evidence is currently insufficient to determine the role of this variant in disease. Therefore, it has been classified as a Variant of Uncertain Significance.

Baylor Genetics
Classification: Uncertain significance for Familial cancer of breast. Last evaluated: 2024-03-26. Review status: criteria provided, single submitter. Criteria: ACMG Guidelines, 2015. Collection method: clinical testing. Allele origin: unknown.

GeneDx
Classification: Uncertain significance. Last evaluated: 2023-11-21. Review status: criteria provided, single submitter. Criteria: GeneDx Variant Classification Process June 2021. Collection method: clinical testing. Allele origin: germline. Affected: yes.
Comment: Not observed at significant frequency in large population cohorts (gnomAD); In silico analysis supports that this missense variant does not alter protein structure/function; Has not been previously published as pathogenic or benign to our knowledge; This variant is associated with the following publications: (PMID: 17550235)

Laboratorio de Genetica e Diagnostico Molecular, Hospital Israelita Albert Einstein
Classification: Uncertain significance for Familial cancer of breast. Last evaluated: 2023-04-28. Review status: criteria provided, single submitter. Criteria: ACMG Guidelines, 2015. Collection method: clinical testing. Allele origin: germline. Affected: yes.
Comment: ACMG classification criteria: PM2 moderate, BP4 supporting

Color Diagnostics, LLC DBA Color Health
Classification: Uncertain significance for Hereditary cancer-predisposing syndrome. Last evaluated: 2021-02-01. Review status: criteria provided, single submitter. Criteria: ACMG Guidelines, 2015. Collection method: clinical testing. Allele origin: germline.
Comment: This missense variant replaces glutamine with arginine at codon 647 of the BARD1 protein. Computational prediction suggests that this variant may not impact protein structure and function (internally defined REVEL score threshold <= 0.5, PMID: 27666373). To our knowledge, functional studies have not been reported for this variant. This variant has been reported in an individual undergoing genetic testing because of personal or family history of cancer (PMID: 27878467). This variant has been identified in 1/251374 chromosomes in the general population by the Genome Aggregation Database (gnomAD). The available evidence is insufficient to determine the role of this variant in disease conclusively. Therefore, this variant is classified as a Variant of Uncertain Significance.

Literature cited by the submitters: PubMed 27878467 (cited by Ambry Genetics and Labcorp Genetics (formerly Invitae), Labcorp); PubMed 33471991 (cited by Ambry Genetics).

NM_000465.4(BARD1):c.1940A>G (p.Gln647Arg)

Gene: BARD1 (BRCA1 associated RING domain 1; minus strand). Cytogenetic location: 2q35.
Variant type: single nucleotide variant.
Coding change: c.1940A>G on transcript NM_000465.4 (MANE Select); coding-DNA position 1940, A replaced by G.
Protein change: p.Gln647Arg; replaces glutamine 647 with arginine.
Molecular consequence: missense variant. On other transcripts: non-coding transcript variant (3).
Genome position (GRCh38, 1-based): chr2:214,730,472, T>C on the plus strand (A>G on the coding strand, the complement: BARD1 is on the minus strand). VCF-style: chr2-214730472-T-C. GRCh37 (hg19) VCF-style: chr2-215595196-T-C.
Other names: c.1883A>G, p.Gln628Arg (NM_001282543.2); c.587A>G, p.Gln196Arg (NM_001282545.2); c.530A>G, p.Gln177Arg (NM_001282548.2); c.401A>G, p.Gln134Arg (NM_001282549.2); short protein forms Q647R, Q134R, Q196R, Q628R, Q177R.
Identifiers: ClinVar variation 185508 (VCV000185508.23), dbSNP rs786202232, ClinGen allele CA192149.
Genomic context (GRCh38, chr2:214,730,472, plus strand): 5'-AGCTGTTCTCTGTTGAGCCTGCTTCTGCGTGGACCTTCAGGAATTTCATACTTTTCTTCC[T>C]GTTCACATACTTTTCTTCGTAGACATGCTTTTACCCCTGACAAAAACACAAGAATTAAAG-3'
Protein context (NP_000456.2, residues 637-657): KACLRRKVCE[Gln647Arg]EEKYEIPEGP